The following is an entry in ClinVar:

ClinVar aggregate classification (germline): Pathogenic (1 of 4 stars; one submission).

Conditions:
Long chain 3-hydroxyacyl-CoA dehydrogenase deficiency. Also called: Deficiency of long-chain 3-hydroxyacyl-coenzyme A dehydrogenase; LCHAD Deficiency. Identifiers: Orphanet 5, MedGen C3711645, MONDO:0012173, OMIM 609016.

Submission:

Myriad Genetics, Inc.
Classification: Pathogenic for Long chain 3-hydroxyacyl-CoA dehydrogenase deficiency. Last evaluated: 2023-08-15. Review status: criteria provided, single submitter. Criteria: Myriad Autosomal Dominant, Autosomal Recessive and X-Linked Classification Criteria (2023). Collection method: clinical testing. Allele origin: unknown.
Comment: NM_000182.4(HADHA):c.1314delT(F438Lfs*7) is expected to be pathogenic in the context of HADHA-related disorders. This variant is predicted to lead to an abnormal or absent protein product due to the creation of a premature termination codon in HADHA, a gene where loss-of-function variants are known to be pathogenic. Please note: this variant was assessed in the context of healthy population screening.

NM_000182.5(HADHA):c.1314del (p.Phe438fs)

Genes: GAREM2 (GRB2 associated regulator of MAPK1 subtype 2; plus strand), HADHA (hydroxyacyl-CoA dehydrogenase trifunctional multienzyme complex subunit alpha; minus strand). Cytogenetic location: 2p23.3.
Variant type: Deletion.
Coding change: c.1314del on transcript NM_000182.5 (MANE Select); coding-DNA position 1314, one base deleted (T; older notation c.1314delT).
Protein change: p.Phe438fs; shifts the reading frame from phenylalanine 438.
Molecular consequence: frameshift variant.
Genome position (GRCh38, 1-based): chr2:26,201,227, A deleted on the plus strand (T on the coding strand, the reverse complement: HADHA is on the minus strand); the first of 4 consecutive A bases (chr2:26,201,227-26,201,230); deleting any one gives the same sequence. VCF-style (leftmost placement, unchanged base first): chr2-26201226-CA-C. GRCh37 (hg19) VCF-style: chr2-26424095-CA-C.
Other names: short protein forms F438fs.
Identifiers: ClinVar variation 5011355 (VCV005011355.1).